The following is an entry in ClinVar:

NM_000283.4(PDE6B):c.1591C>T (p.Arg531Ter)

Gene: PDE6B (phosphodiesterase 6B; plus strand). Cytogenetic location: 4p16.3.
Variant type: single nucleotide variant.
Coding change: c.1591C>T on transcript NM_000283.4 (MANE Select); coding-DNA position 1591, C replaced by T.
Protein change: p.Arg531Ter; replaces arginine 531 with a stop codon.
Molecular consequence: nonsense.
Genome position (GRCh38, 1-based): chr4:660,590, C>T. VCF-style: chr4-660590-C-T. GRCh37 (hg19) VCF-style: chr4-654379-C-T.
Other names: c.1591C>T, p.Arg531Ter (NM_001145291.2); c.754C>T, p.Arg252Ter (NM_001145292.2, NM_001350154.3, NM_001379246.1 and 1 more transcripts); c.436C>T, p.Arg146Ter (NM_001350155.3); short protein forms R531*, R146*, R252*.
Identifiers: ClinVar variation 13104 (VCV000013104.11), dbSNP rs121918580, ClinGen allele CA256717.

ClinVar aggregate classification (germline): Pathogenic. Review status: criteria provided, multiple submitters, no conflicts (2 of 4 stars). 5 submissions from 5 submitters: Pathogenic (4). 1 of the submissions does not count toward it. Last evaluated 2026-04-09.

Conditions:
PDE6B-related disorder. Also called: PDE6B-related disease; PDE6B-related condition; PDE6B-related disorders.
Retinitis pigmentosa 40 (RP40). Identifiers: Orphanet 791, MedGen C3151107, MONDO:0013429, OMIM 613801.

Allele frequency attached by ClinVar (database versions not stated): TOPMed 0.00001; gnomAD 0.00002; 1000 Genomes Project 30x 0.00016; 1000 Genomes Project 0.00020.
gnomAD v4.1: 10 of 1,613,712 alleles (0.00062%); highest among the groups gnomAD compares: African/African-American, 0.0027%; no homozygotes.

Submissions (5):

PreventionGenetics, part of Exact Sciences
Classification: Pathogenic for PDE6B-related condition. Last evaluated: 2026-04-09. Review status: criteria provided, single submitter. Criteria: ACMG Guidelines, 2015. Collection method: clinical testing. Allele origin: germline.
Comment: The PDE6B c.1591C>T variant is predicted to result in premature protein termination (p.Arg531*). This variant was reported in individuals with autosomal recessive retinitis pigmentosa (see, for examples, McLaughlin et al. 1993. PubMed ID: 8394174; Table S1, Lin et al. 2024. PubMed ID: 38219857; Table S1, Hashem et al. 2024. PubMed ID: 38364953). This variant is reported in 0.0050% of alleles in individuals of East Asian descent in gnomAD. Nonsense variants in PDE6B are expected to be pathogenic. This variant is interpreted as pathogenic.

Labcorp Genetics (formerly Invitae), Labcorp
Classification: Pathogenic. Last evaluated: 2022-10-13. Review status: criteria provided, single submitter. Criteria: Invitae Variant Classification Sherloc (09022015). Collection method: clinical testing. Allele origin: germline.
Comment: This sequence change creates a premature translational stop signal (p.Arg531*) in the PDE6B gene. It is expected to result in an absent or disrupted protein product. Loss-of-function variants in PDE6B are known to be pathogenic (PMID: 8394174, 8595886, 22334370). For these reasons, this variant has been classified as Pathogenic. ClinVar contains an entry for this variant (Variation ID: 13104). This premature translational stop signal has been observed in individual(s) with autosomal recessive retinitis pigmentosa (PMID: 8394174). This variant is present in population databases (rs121918580, gnomAD 0.002%).

Blueprint Genetics
Classification: Pathogenic for PDE6B-related disorders. Last evaluated: 2021-06-17. Review status: criteria provided, single submitter. Criteria: ACMG Guidelines, 2015. Collection method: clinical testing. Allele origin: germline. Affected: yes. Observed: 1 variant allele.

GeneDx
Classification: Pathogenic. Last evaluated: 2019-05-29. Review status: criteria provided, single submitter. Criteria: GeneDx Variant Classification Process June 2021. Collection method: clinical testing. Allele origin: germline. Affected: yes.
Comment: Nonsense variant predicted to result in protein truncation or nonsense mediated decay in a gene for which loss-of-function is a known mechanism of disease; Not observed at a significant frequency in large population cohorts (Lek et al., 2016); This variant is associated with the following publications: (PMID: 8394174, 25525159)

OMIM
Classification: Pathogenic for RETINITIS PIGMENTOSA 40. Last evaluated: 1993-06-01. Review status: no assertion criteria provided. Collection method: literature only. Allele origin: germline. Not counted in ClinVar's aggregate classification.

Literature cited by the submitters: PubMed 8394174 (cited by Labcorp Genetics (formerly Invitae), Labcorp and OMIM); PubMed 8595886 (cited by Labcorp Genetics (formerly Invitae), Labcorp); PubMed 22334370 (cited by Labcorp Genetics (formerly Invitae), Labcorp).